The following is an entry in ClinVar:

ClinVar aggregate classification (germline): Likely pathogenic (1 of 4 stars; one submission).

Conditions:
8q24.3 microdeletion syndrome. Also called: CHROMOSOME 8q24.3 DELETION SYNDROME; Verheij syndrome. Identifiers: Orphanet 508488, MedGen C3810023, MONDO:0014263, OMIM 615583.

Submission:

New York Genome Center
Classification: Likely pathogenic for 8q24.3 microdeletion syndrome. Last evaluated: 2024-01-29. Review status: criteria provided, single submitter. Criteria: NYGC Assertion Criteria 2020. Collection method: clinical testing. Allele origin: de novo. Affected: yes. Observed: 1 variant allele, 1 heterozygote.
Comment: The c.834_859dup variant identified in the PUF60 gene has not previously been reported in the literature or public variant repositories (ClinVar and LOVD) and is absent from population databases (gnomAD v4, TOPMed Freeze 10, All of Us), suggesting it is not a common benign variant in the populations represented in those databases. The c.834_859dup variant located in exon 9 of this 12-exon gene, is predicted to cause frameshift in the open reading frame and incorporation of premature termination codon (p.(Met287SerfsTer10)), and is expected to undergo nonsense mediated decay leading to loss of function. Other loss of function variants have been reported in ClinVar and affected individuals, often de novo where inheritance is known, in exon 9 [ClinVar ID: 1333187, 2442364; PMID: 37303278] and downstream of the c.834_859dup variant [ClinVar ID: 984580, 425568, 666578; PMID: 37303278, 27804958]. Based on available evidence this apparently de novo heterozygous c.834_859dup p.(Met287SerfsTer10) variant identified in PUF60 is classified as Likely Pathogenic.

NM_078480.3(PUF60):c.834_859dup (p.Met287fs)

Gene: PUF60 (poly(U) binding splicing factor 60; minus strand). Cytogenetic location: 8q24.3.
Variant type: Duplication.
Coding change: c.834_859dup on transcript NM_078480.3 (MANE Select); coding-DNA positions 834 to 859, 26 bases duplicated (GTCGTCCCAAGATGCTGTGTCTTCCA).
Protein change: p.Met287fs; shifts the reading frame from methionine 287.
Molecular consequence: frameshift variant.
Genome position (GRCh38, 1-based): chr8:143,817,741-143,817,766, TGGAAGACACAGCATCTTGGGACGAC duplicated on the plus strand (GTCGTCCCAAGATGCTGTGTCTTCCA on the coding strand, the reverse complement: PUF60 is on the minus strand); duplicating any 26 consecutive bases within chr8:143,817,741-143,817,769 gives the same sequence; the c. name uses the placement nearest the transcript's 3' end. VCF-style (leftmost placement, unchanged base first): chr8-143817740-A-ATGGAAGACACAGCATCTTGGGACGAC. GRCh37 (hg19) VCF-style: chr8-144899910-A-ATGGAAGACACAGCATCTTGGGACGAC.
Other names: c.705_730dup, p.Met244fs (NM_001136033.3); c.780_805dup, p.Met269fs (NM_001271096.2); c.696_721dup, p.Met241fs (NM_001271097.2); c.831_856dup, p.Met286fs (NM_001271098.2); c.747_772dup, p.Met258fs (NM_001271099.2); c.654_679dup, p.Met227fs (NM_001271100.2); c.945_970dup, p.Met324fs (NM_001362895.2, NM_001362896.2); c.894_919dup, p.Met307fs (NM_001362897.2); and 2 more; short protein forms M227fs, M241fs, M244fs, M258fs, M269fs, M270fs, M286fs, M287fs.
Identifiers: ClinVar variation 4888372 (VCV004888372.1).